The following is an entry in ClinVar:

NM_001142800.2(EYS):c.2932G>A (p.Glu978Lys)

Gene: EYS (eyes shut homolog; minus strand). Cytogenetic location: 6q12.
Variant type: single nucleotide variant.
Coding change: c.2932G>A on transcript NM_001142800.2 (MANE Select); coding-DNA position 2932, G replaced by A.
Protein change: p.Glu978Lys; replaces glutamic acid 978 with lysine.
Molecular consequence: missense variant.
Genome position (GRCh38, 1-based): chr6:64,886,757, C>T on the plus strand (G>A on the coding strand, the complement: EYS is on the minus strand). VCF-style: chr6-64886757-C-T. GRCh37 (hg19) VCF-style: chr6-65596650-C-T.
Other names: c.2932G>A, p.Glu978Lys (NM_001292009.2); short protein forms E978K.
Identifiers: ClinVar variation 1393551 (VCV001393551.5), dbSNP rs907697038, ClinGen allele CA140377019.

ClinVar aggregate classification (germline): Uncertain significance (1 of 4 stars; one submission).

Allele frequency attached by ClinVar (database versions not stated): gnomAD exomes below 0.00001.
gnomAD v4.1: 1 of 1,547,930 alleles (0.000065%); highest among the groups gnomAD compares: Non-Finnish European, 0.000087%; no homozygotes.

Submission:

Labcorp Genetics (formerly Invitae), Labcorp
Classification: Uncertain significance. Last evaluated: 2021-08-24. Review status: criteria provided, single submitter. Criteria: Invitae Variant Classification Sherloc (09022015). Collection method: clinical testing. Allele origin: germline.
Comment: This sequence change replaces glutamic acid with lysine at codon 978 of the EYS protein (p.Glu978Lys). The glutamic acid residue is weakly conserved and there is a small physicochemical difference between glutamic acid and lysine. This variant is not present in population databases (ExAC no frequency). This variant has not been reported in the literature in individuals affected with EYS-related conditions. Algorithms developed to predict the effect of missense changes on protein structure and function (SIFT, PolyPhen-2, Align-GVGD) all suggest that this variant is likely to be tolerated. In summary, the available evidence is currently insufficient to determine the role of this variant in disease. Therefore, it has been classified as a Variant of Uncertain Significance.